The following is an entry in ClinVar:

ClinVar aggregate classification (germline): Likely pathogenic (1 of 4 stars; one submission).

Conditions:
PMM2-congenital disorder of glycosylation. Also called: CDG Ia; PMM2-CDG; JAEKEN SYNDROME; PHOSPHOMANNOMUTASE 2 DEFICIENCY; CARBOHYDRATE-DEFICIENT GLYCOPROTEIN SYNDROME, TYPE Ia; Congenital disorder of glycosylation, type Ia. Identifiers: Orphanet 79318, MedGen C0349653, MONDO:0008907, OMIM 212065.

Submission:

Natera, Inc.
Classification: Likely pathogenic for Congenital disorder of glycosylation type 1a. Last evaluated: 2025-11-06. Review status: criteria provided, single submitter. Criteria: Natera Variant Classification Schema (03/2026). Collection method: clinical testing. Allele origin: germline.
Comment: The c.102del variant in PMM2 is a frameshift variant predicted to shift the reading frame beginning at codon 34 and leads to a stop codon 2 codons downstream. This variant is expected to result in nonsense mediated decay, truncation, or a dysfunctional protein product. This variant is rare in the general population with a frequency below the threshold expected for the associated phenotype(s). Given the available evidence, this variant is classified as Likely Pathogenic.

NM_000303.3(PMM2):c.102del (p.Lys34fs)

Gene: PMM2 (phosphomannomutase 2; plus strand). Cytogenetic location: 16p13.2.
Variant type: Deletion.
Coding change: c.102del on transcript NM_000303.3 (MANE Select); coding-DNA position 102, one base deleted (A; older notation c.102delA).
Protein change: p.Lys34fs; shifts the reading frame from lysine 34.
Molecular consequence: frameshift variant.
Genome position (GRCh38, 1-based): chr16:8,801,834, A deleted; the last of 5 consecutive A bases (chr16:8,801,830-8,801,834); deleting any one gives the same sequence. VCF-style (leftmost placement, unchanged base first): chr16-8801829-CA-C. GRCh37 (hg19) VCF-style: chr16-8895686-CA-C.
Other names: short protein forms K34fs.
Identifiers: ClinVar variation 4818138 (VCV004818138.1).